The following is an entry in ClinVar:

NM_000548.5(TSC2):c.4234C>A (p.Pro1412Thr)

Gene: TSC2 (TSC complex subunit 2; plus strand). Cytogenetic location: 16p13.3.
Variant type: single nucleotide variant.
Coding change: c.4234C>A on transcript NM_000548.5 (MANE Select); coding-DNA position 4234, C replaced by A.
Protein change: p.Pro1412Thr; replaces proline 1412 with threonine.
Molecular consequence: missense variant. On other transcripts: non-coding transcript variant (5).
Genome position (GRCh38, 1-based): chr16:2,084,456, C>A. VCF-style: chr16-2084456-C-A. GRCh37 (hg19) VCF-style: chr16-2134457-C-A.
Other names: c.4102C>A, p.Pro1368Thr (NM_001370404.1); c.4105C>A, p.Pro1369Thr (NM_001370405.1, NM_021055.3); c.4231C>A, p.Pro1411Thr (NM_001406663.1); c.4162C>A, p.Pro1388Thr (NM_001406664.1); c.4156C>A, p.Pro1386Thr (NM_001406665.1); c.4126C>A, p.Pro1376Thr (NM_001406667.1); c.4123C>A, p.Pro1375Thr (NM_001406668.1); c.4054C>A, p.Pro1352Thr (NM_001406670.1); and 26 more; short protein forms P1145T, P1146T, P1168T, P1188T, P1189T, P1192T, P1212T, P1296T.
Identifiers: ClinVar variation 4866053 (VCV004866053.1).

ClinVar aggregate classification (germline): Uncertain significance (1 of 4 stars; one submission).

Conditions:
Hereditary cancer-predisposing syndrome. Also called: Neoplastic Syndromes, Hereditary; Tumor predisposition; Hereditary Cancer Syndrome; Hereditary neoplastic syndrome. Identifiers: Orphanet 140162, MedGen C0027672, MeSH D009386, MONDO:0015356.

gnomAD v4.1: 2 of 1,609,466 alleles (0.00012%); highest among the groups gnomAD compares: Admixed American, 0.0017%; no homozygotes.

Submission:

Ambry Genetics
Classification: Uncertain significance for Hereditary cancer-predisposing syndrome. Last evaluated: 2026-03-30. Review status: criteria provided, single submitter. Criteria: Ambry Variant Classification Scheme 2023. Collection method: clinical testing. Allele origin: germline.
Comment: The p.P1412T variant (also known as c.4234C>A), located in coding exon 33 of the TSC2 gene, results from a C to A substitution at nucleotide position 4234. The proline at codon 1412 is replaced by threonine, an amino acid with highly similar properties. This amino acid position is conserved. In addition, the in silico prediction for this alteration is inconclusive. Based on the available evidence, the clinical significance of this variant remains unclear.